The following is an entry in ClinVar:

NM_017780.4(CHD7):c.352_360del (p.Ser118_Gly120del)

Gene: CHD7 (chromodomain helicase DNA binding protein 7; plus strand). Cytogenetic location: 8q12.2.
Variant type: Deletion.
Coding change: c.352_360del on transcript NM_017780.4 (MANE Select); coding-DNA positions 352 to 360, 9 bases deleted (AGTGGTGGC; older notation c.352_360delAGTGGTGGC).
Protein change: p.Ser118_Gly120del.
Molecular consequence: inframe deletion.
Genome position (GRCh38, 1-based): chr8:60,741,784-60,741,792, AGTGGTGGC deleted; deleting any 9 consecutive bases within chr8:60,741,777-60,741,792 gives the same sequence; the c. name uses the placement nearest the transcript's 3' end. VCF-style (leftmost placement, unchanged base first): chr8-60741776-ATGGTGGCAG-A. GRCh37 (hg19) VCF-style: chr8-61654335-ATGGTGGCAG-A.
Other names: c.352_360del, p.Ser118_Gly120del (NM_001316690.1).
Identifiers: ClinVar variation 2030861 (VCV002030861.5), dbSNP rs1158222427, ClinGen allele CA853918495.

ClinVar aggregate classification (germline): Uncertain significance. Review status: criteria provided, multiple submitters, no conflicts (2 of 4 stars). 2 submissions from 2 submitters: Uncertain significance (2). Last evaluated 2025-07-08.

Conditions:
CHARGE syndrome (CHARGE). Also called: Hittner Hirsch Kreh syndrome; CHARGE ASSOCIATION--COLOBOMA, HEART ANOMALY, CHOANAL ATRESIA, RETARDATION, GENITAL AND EAR ANOMALIES; Coloboma, heart anomaly, choanal atresia, retardation, genital and ear anomalies; CHARGE association; Hall-Hittner syndrome. Identifiers: Orphanet 138, MedGen C0265354, MONDO:0008965.
Hypogonadotropic hypogonadism 5 with or without anosmia (KAL5). Also called: CHD7-Related GnRH Deficiency (Kallmann Syndrome 5); HYPOGONADOTROPIC HYPOGONADISM 5 WITH ANOSMIA; HYPOGONADOTROPHIC HYPOGONADISM 5 WITHOUT ANOSMIA. Identifiers: Orphanet 478, MedGen C3552553, MONDO:0012880, OMIM 612370. Disease mechanism: loss of function.

Submissions (2):

Labcorp Genetics (formerly Invitae), Labcorp
Classification: Uncertain significance for CHARGE syndrome. Last evaluated: 2025-07-08. Review status: criteria provided, single submitter. Criteria: Invitae Variant Classification Sherloc (09022015). Collection method: clinical testing. Allele origin: germline.
Comment: This variant, c.352_360del, results in the deletion of 3 amino acid(s) of the CHD7 protein (p.Ser118_Gly120del), but otherwise preserves the integrity of the reading frame. This variant is not present in population databases (gnomAD no frequency). This variant has not been reported in the literature in individuals affected with CHD7-related conditions. ClinVar contains an entry for this variant (Variation ID: 2030861). Experimental studies and prediction algorithms are not available or were not evaluated, and the functional significance of this variant is currently unknown. In summary, the available evidence is currently insufficient to determine the role of this variant in disease. Therefore, it has been classified as a Variant of Uncertain Significance.

Fulgent Genetics
Classification: Uncertain significance for CHD7-related CHARGE syndrome; Hypogonadotropic hypogonadism 5 with or without anosmia. Last evaluated: 2024-04-17. Review status: criteria provided, single submitter. Criteria: ACMG Guidelines, 2015. Collection method: clinical testing. Allele origin: germline.